The following is an entry in ClinVar:

ClinVar aggregate classification (germline): Pathogenic/Likely pathogenic. Review status: criteria provided, multiple submitters, no conflicts (2 of 4 stars). 6 submissions from 6 submitters: Pathogenic (3); Likely pathogenic (2). 1 of the submissions does not count toward it. Last evaluated 2024-12-13.

Conditions:
D,L-2-hydroxyglutaric aciduria (D2L2AD). Also called: Combined D-2- and L-2-hydroxyglutaric aciduria. Identifiers: Orphanet 356978, MedGen C5574940, MONDO:0014072, OMIM 615182.
2-hydroxyglutaric aciduria (D2L2AD). Identifiers: Orphanet 19, Orphanet 356978, MedGen C2746066, MONDO:0016001. Disease mechanism: loss of function.

Allele frequency attached by ClinVar (database versions not stated): ExAC 0.00002; gnomAD 0.00003; TOPMed 0.00005; gnomAD exomes 0.00002.

Submissions (6):

GeneDx
Classification: Pathogenic. Last evaluated: 2024-12-13. Review status: criteria provided, single submitter. Criteria: GeneDx Variant Classification Process June 2021. Collection method: clinical testing. Allele origin: germline.
Comment: Published functional studies demonstrate a damaging effect on enzyme activity (PMID: 29031613, 29238895); Not observed at significant frequency in large population cohorts (gnomAD); In silico analysis supports that this missense variant has a deleterious effect on protein structure/function; This variant is associated with the following publications: (PMID: 29238895, 23561848, 34930662, 29031613, 36672771)

Neuberg Centre For Genomic Medicine, NCGM
Classification: Pathogenic for D,L-2-hydroxyglutaric aciduria. Last evaluated: 2023-02-14. Review status: criteria provided, single submitter. Criteria: ACMG Guidelines, 2015. Collection method: clinical testing. Allele origin: germline. Inheritance: Autosomal recessive inheritance. Affected: yes.

Labcorp Genetics (formerly Invitae), Labcorp
Classification: Likely pathogenic. Last evaluated: 2021-10-11. Review status: criteria provided, single submitter. Criteria: Invitae Variant Classification Sherloc (09022015). Collection method: clinical testing. Allele origin: germline.
Comment: Experimental studies have shown that this missense change affects SLC25A1 function (PMID: 9031613, 29238895). In summary, the currently available evidence indicates that the variant is pathogenic, but additional data are needed to prove that conclusively. Therefore, this variant has been classified as Likely Pathogenic. This variant disrupts the p.Arg282 amino acid residue in SLC25A1. Other variant(s) that disrupt this residue have been observed in individuals with SLC25A1-related conditions (PMID: 23393310, 23561848, 29238895), which suggests that this may be a clinically significant amino acid residue. Algorithms developed to predict the effect of missense changes on protein structure and function (SIFT, PolyPhen-2, Align-GVGD) all suggest that this variant is likely to be disruptive. ClinVar contains an entry for this variant (Variation ID: 42194). This missense change has been observed in individuals with combined D-2- and L-2-hydroxyglutaric aciduria (PMID: 23561848, 29238895). This variant is present in population databases (rs431905509, ExAC 0.005%). This sequence change replaces arginine with cysteine at codon 282 of the SLC25A1 protein (p.Arg282Cys). The arginine residue is highly conserved and there is a large physicochemical difference between arginine and cysteine.

Institute of Human Genetics, University of Leipzig Medical Center
Classification: Pathogenic for D,L-2-hydroxyglutaric aciduria. Last evaluated: 2020-11-12. Review status: criteria provided, single submitter. Criteria: ACMG Guidelines, 2015. Collection method: clinical testing. Allele origin: paternal. Affected: yes.
Comment: This variant was identified as compound heterozygous with NM_005984.5:c.578C>T.

HudsonAlpha Institute for Biotechnology
Classification: Likely pathogenic for D,L-2-hydroxyglutaric aciduria. Last evaluated: 2019-07-23. Review status: criteria provided, single submitter. Criteria: ACMG Guidelines, 2015. Collection method: research. Allele origin: maternal. Affected: yes. Observed: 1 variant allele. Study: CSER-SouthSeq.
Comment: ACMG codes: PS3, PM2, PM3, PP3

OMIM
Classification: Pathogenic for COMBINED D-2- AND L-2-HYDROXYGLUTARIC ACIDURIA. Last evaluated: 2013-04-04. Review status: no assertion criteria provided. Collection method: literature only. Allele origin: germline. Not counted in ClinVar's aggregate classification.

Literature cited by the submitters: PubMed 9031613 (cited by Labcorp Genetics (formerly Invitae), Labcorp); PubMed 29238895 (cited by Labcorp Genetics (formerly Invitae), Labcorp); PubMed 23393310 (cited by Labcorp Genetics (formerly Invitae), Labcorp); PubMed 23561848 (cited by Labcorp Genetics (formerly Invitae), Labcorp and OMIM).

NM_005984.5(SLC25A1):c.844C>T (p.Arg282Cys)

Gene: SLC25A1 (solute carrier family 25 member 1; minus strand). Cytogenetic location: 22q11.21.
Variant type: single nucleotide variant.
Coding change: c.844C>T on transcript NM_005984.5 (MANE Select); coding-DNA position 844, C replaced by T.
Protein change: p.Arg282Cys; replaces arginine 282 with cysteine.
Molecular consequence: missense variant. On other transcripts: non-coding transcript variant (1).
Genome position (GRCh38, 1-based): chr22:19,176,222, G>A on the plus strand (C>T on the coding strand, the complement: SLC25A1 is on the minus strand). VCF-style: chr22-19176222-G-A. GRCh37 (hg19) VCF-style: chr22-19163735-G-A.
Other names: c.844C>T (NM_005984.3); c.865C>T, p.Arg289Cys (NM_001256534.2); c.535C>T, p.Arg179Cys (NM_001287387.2); short protein forms R282C, R179C, R289C.
Identifiers: ClinVar variation 42194 (VCV000042194.13), dbSNP rs431905509, ClinGen allele CA130979.